The following is an entry in ClinVar:

NM_005632.3(CAPN15):c.570G>C (p.Pro190=)

Gene: CAPN15 (calpain 15; plus strand). Cytogenetic location: 16p13.3.
Variant type: single nucleotide variant.
Coding change: c.570G>C on transcript NM_005632.3 (MANE Select); coding-DNA position 570, G replaced by C.
Protein change: p.Pro190=; no amino-acid change (proline 190 retained).
Molecular consequence: synonymous variant.
Genome position (GRCh38, 1-based): chr16:547,408, G>C. VCF-style: chr16-547408-G-C. GRCh37 (hg19) VCF-style: chr16-597408-G-C.
Other names: c.570G>C (NM_005632.2).
Identifiers: ClinVar variation 2645796 (VCV002645796.26), dbSNP rs572003179, ClinGen allele CA7778103.
Genomic context (GRCh38, chr16:547,408, plus strand): 5'-CAGGCTCTCGCTGCCACGGATCCCTCCTGAGGCCCTGGTGGTCCCGGAAGTGGTGGCCCC[G>C]GCCGGCTTCCACGTCGTGCCTGCCGCGCCTCCACCTGGCCTCCCCGGGGAAGGTGCCGAG-3'
Protein context (NP_005623.1, residues 180-200): EALVVPEVVA[Pro190=]AGFHVVPAAP

ClinVar aggregate classification (germline): Likely benign. Review status: criteria provided, multiple submitters, no conflicts (2 of 4 stars). 3 submissions from 3 submitters: Likely benign (2). 1 of the submissions does not count toward it. Last evaluated 2026-07-01.

Conditions:
CAPN15-related disorder. Also called: CAPN15-related condition.

Allele frequency attached by ClinVar (database versions not stated): 1000 Genomes Project 30x 0.00062; 1000 Genomes Project 0.00080.
gnomAD v4.1: 2,911 of 1,568,770 alleles (0.19%); highest among the groups gnomAD compares: Non-Finnish European, 0.23%; 8 homozygotes.

Submissions (3):

CeGaT Center for Human Genetics Tuebingen
Classification: Likely benign. Last evaluated: 2026-07-01. Review status: criteria provided, single submitter. Criteria: CeGaT Center For Human Genetics Tuebingen Variant Classification Criteria Version 2. Collection method: clinical testing. Allele origin: germline. Affected: yes. Observed: 3 variant alleles.
Comment: CAPN15: BP4, BP7

Blueprint Genetics
Classification: Likely benign. Last evaluated: 2024-11-27. Review status: criteria provided, single submitter. Criteria: ACMG Guidelines, 2015. Collection method: clinical testing. Allele origin: germline.

PreventionGenetics, part of Exact Sciences
Classification: Likely benign for CAPN15-related condition. Last evaluated: 2019-09-27. Review status: no assertion criteria provided. Collection method: clinical testing. Allele origin: germline. Not counted in ClinVar's aggregate classification.
Comment: This variant is classified as likely benign based on ACMG/AMP sequence variant interpretation guidelines (Richards et al. 2015 PMID: 25741868, with internal and published modifications).